The following is an entry in ClinVar:

ClinVar aggregate classification (germline): Uncertain significance. Review status: criteria provided, multiple submitters, no conflicts (2 of 4 stars). 2 submissions from 2 submitters: Uncertain significance (2). Last evaluated 2024-05-21.

Conditions:
Early Myoclonic Encephalopathy. Identifiers: MedGen C0270855.

Allele frequency attached by ClinVar (database versions not stated): gnomAD exomes below 0.00001.
gnomAD v4.1: 5 of 1,614,200 alleles (0.00031%); highest among the groups gnomAD compares: Non-Finnish European, 0.00042%; no homozygotes.

Submissions (2):

Labcorp Genetics (formerly Invitae), Labcorp
Classification: Uncertain significance for Early Myoclonic Encephalopathy. Last evaluated: 2024-05-21. Review status: criteria provided, single submitter. Criteria: Invitae Variant Classification Sherloc (09022015). Collection method: clinical testing. Allele origin: germline.
Comment: This sequence change replaces glutamine, which is neutral and polar, with glutamic acid, which is acidic and polar, at codon 847 of the JMJD1C protein (p.Gln847Glu). This variant is not present in population databases (gnomAD no frequency). This variant has not been reported in the literature in individuals affected with JMJD1C-related conditions. ClinVar contains an entry for this variant (Variation ID: 1949555). Advanced modeling of protein sequence and biophysical properties (such as structural, functional, and spatial information, amino acid conservation, physicochemical variation, residue mobility, and thermodynamic stability) performed at Invitae indicates that this missense variant is expected to disrupt JMJD1C protein function with a positive predictive value of 80%. In summary, the available evidence is currently insufficient to determine the role of this variant in disease. Therefore, it has been classified as a Variant of Uncertain Significance.

Ambry Genetics
Classification: Uncertain significance. Last evaluated: 2022-04-25. Review status: criteria provided, single submitter. Criteria: Ambry Variant Classification Scheme 2023. Collection method: clinical testing. Allele origin: germline.

NM_032776.3(JMJD1C):c.2539C>G (p.Gln847Glu)

Gene: JMJD1C (jumonji domain containing 1C; minus strand). Cytogenetic location: 10q21.3.
Variant type: single nucleotide variant.
Coding change: c.2539C>G on transcript NM_032776.3 (MANE Select); coding-DNA position 2539, C replaced by G.
Protein change: p.Gln847Glu; replaces glutamine 847 with glutamic acid.
Molecular consequence: missense variant. On other transcripts: non-coding transcript variant (1).
Genome position (GRCh38, 1-based): chr10:63,213,628, G>C on the plus strand (C>G on the coding strand, the complement: JMJD1C is on the minus strand). VCF-style: chr10-63213628-G-C. GRCh37 (hg19) VCF-style: chr10-64973388-G-C.
Other names: c.1993C>G, p.Gln665Glu (NM_001282948.2, NM_001318154.2); c.1675C>G, p.Gln559Glu (NM_001318153.2); c.2425C>G, p.Gln809Glu (NM_001322252.2); c.1882C>G, p.Gln628Glu (NM_001322254.2, NM_001322258.2); short protein forms Q665E, Q809E, Q847E, Q628E, Q559E.
Identifiers: ClinVar variation 1949555 (VCV001949555.6), dbSNP rs2492764136, ClinGen allele CA377044892.
Genomic context (GRCh38, chr10:63,213,628, plus strand): 5'-GATACTGCCAAATAATTGGATAAAGTCCAAGCTGATTATATGAAGCAGAAGGATGGGCTT[G>C]TCCAAGAAGATGAGGTGACTGGTGCTGTAACAACTGTTGTTGTTGCTGGTGTGCTAGCGC-3'
Protein context (NP_116165.1, residues 837-857): LQHQSPHLLG[Gln847Glu]AHPSASYNQL